The following is an entry in ClinVar:

NM_024675.4(PALB2):c.1356_2586+201del

Gene: PALB2 (partner and localizer of BRCA2; minus strand). Cytogenetic location: 16p12.2.
Variant type: Deletion.
Coding change: c.1356_2586+201del on transcript NM_024675.4 (MANE Select); coding-DNA position 1356 through 201 bases into the intron after coding-DNA position 2586, 6,188 bases deleted.
Molecular consequence: splice acceptor variant, splice donor variant.
Genome position (GRCh38, 1-based): chr16:23,629,003-23,635,190, 6,188 bases deleted. GRCh37 (hg19): chr16:23,640,324-23,646,511.
Identifiers: ClinVar variation 853702 (VCV000853702.2), ClinGen allele CA916081825.

ClinVar aggregate classification (germline): Likely pathogenic (1 of 4 stars; one submission).

Conditions:
Familial cancer of breast. Also called: Hereditary breast cancer; hereditary breast carcinoma; BREAST CANCER, FAMILIAL. Identifiers: Orphanet 227535, MedGen C0346153, MONDO:0016419, OMIM 114480. Disease mechanism: loss of function.

Submission:

Labcorp Genetics (formerly Invitae), Labcorp
Classification: Likely pathogenic for Hereditary Breast Carcinoma. Last evaluated: 2019-12-31. Review status: criteria provided, single submitter. Criteria: Invitae Variant Classification Sherloc (09022015). Collection method: clinical testing. Allele origin: germline.
Comment: This variant results in the deletion of exons 5-6 and part of exon 4 (c.1356_2586+201del) of the PALB2 gene. It is expected to disrupt RNA splicing and likely results in an absent or disrupted protein product. This variant has not been reported in the literature in individuals with PALB2-related conditions. Loss-of-function variants in PALB2 are known to be pathogenic (PMID: 17200668, 24136930, 25099575). In summary, the currently available evidence indicates that the variant is pathogenic, but additional data are needed to prove that conclusively. Therefore, this variant has been classified as Likely Pathogenic.